The following is an entry in ClinVar:

ClinVar aggregate classification (germline): Uncertain significance. Review status: criteria provided, multiple submitters, no conflicts (2 of 4 stars). 2 submissions from 2 submitters: Uncertain significance (2). Last evaluated 2026-03-23.

Conditions:
Inborn genetic diseases. Identifiers: MedGen C0950123, MeSH D030342.
PCSK1-related disorder. Also called: PCSK1-related condition.

gnomAD v4.1: 2 of 1,614,132 alleles (0.00012%); highest among the groups gnomAD compares: Admixed American, 0.0017%; no homozygotes.

Submissions (2):

PreventionGenetics, part of Exact Sciences
Classification: Uncertain significance for PCSK1-related condition. Last evaluated: 2026-03-23. Review status: criteria provided, single submitter. Criteria: ACMG Guidelines, 2015. Collection method: clinical testing. Allele origin: germline.
Comment: The PCSK1 c.815A>G variant is predicted to result in the amino acid substitution p.Asp272Gly. To our knowledge, this variant has not been reported in the literature or in a large population database (gnomAD), indicating this variant is rare. At this time, the clinical significance of this variant is uncertain due to the absence of conclusive functional and genetic evidence.

Ambry Genetics
Classification: Uncertain significance for Inborn genetic diseases. Last evaluated: 2024-09-20. Review status: criteria provided, single submitter. Criteria: Ambry Variant Classification Scheme 2023. Collection method: clinical testing. Allele origin: germline.

NM_000439.5(PCSK1):c.815A>G (p.Asp272Gly)

Genes: CAST (calpastatin; plus strand), PCSK1 (proprotein convertase subtilisin/kexin type 1; minus strand), LOC101929710 (uncharacterized LOC101929710; plus strand). Cytogenetic location: 5q15.
Variant type: single nucleotide variant.
Coding change: c.815A>G on transcript NM_000439.5 (MANE Select); coding-DNA position 815, A replaced by G.
Protein change: p.Asp272Gly; replaces aspartic acid 272 with glycine.
Molecular consequence: missense variant. On other transcripts: intron variant (11).
Genome position (GRCh38, 1-based): chr5:96,412,385, T>C on the plus strand (A>G on the coding strand, the complement: PCSK1 is on the minus strand). VCF-style: chr5-96412385-T-C. GRCh37 (hg19) VCF-style: chr5-95748089-T-C.
Other names: c.-175+32733T>C (NM_001423251.1, NM_001423256.1, NM_001423252.1 and 6 more transcripts); c.-40+32733T>C (NM_001423258.1); c.674A>G, p.Asp225Gly (NM_001177875.2); c.-103+32733T>C (NM_001423253.1); short protein forms D272G, D225G.
Identifiers: ClinVar variation 3415922 (VCV003415922.2).